The following is an entry in ClinVar:

ClinVar aggregate classification (germline): Conflicting classifications of pathogenicity. Review status: criteria provided, conflicting classifications (1 of 4 stars). 4 submissions from 4 submitters: Uncertain significance (3); Likely benign (1). Last evaluated 2026-06-03.

Conditions:
BRCA2-related disorder. Also called: BRCA2-related condition; BRCA2-related disorders. Identifiers: MedGen CN239275.
Hereditary breast ovarian cancer syndrome. Also called: BRCA1- and BRCA2-Associated Hereditary Breast and Ovarian Cancer; Hereditary breast and ovarian cancer syndrome; Hereditary breast and/or ovarian cancer syndrome; Hereditary breast and ovarian cancer; Hereditary breast and ovarian cancer syndrome (HBOC); Breast and ovarian cancer. Identifiers: Orphanet 145, MedGen C0677776, MeSH D061325, MONDO:0003582. Disease mechanism: loss of function.
Hereditary cancer-predisposing syndrome. Also called: Neoplastic Syndromes, Hereditary; Hereditary neoplastic syndrome; Hereditary Cancer Syndrome; Tumor predisposition. Identifiers: Orphanet 140162, MedGen C0027672, MeSH D009386, MONDO:0015356.

Submissions (4):

PreventionGenetics, part of Exact Sciences
Classification: Uncertain significance for BRCA2-related condition. Last evaluated: 2026-06-03. Review status: criteria provided, single submitter. Criteria: ACMG Guidelines, 2015. Collection method: clinical testing. Allele origin: germline.
Comment: The BRCA2 c.4424T>A variant is predicted to result in the amino acid substitution p.Met1475Lys. To our knowledge, this variant has not been reported in the literature in individuals with BRCA2-related disorders or in a large population database (gnomAD), indicating this variant is rare. This variant has conflicting interpretations in ClinVar, ranging from uncertain significance to likely benign (Variation ID: 1740503). This variant occurs within a region of the BRCA2 gene that is predicted to be tolerant to missense variation (Table 2, Dines et al. 2020. PubMed ID: 31911673). Although we suspect that this variant may be benign, at this time, the clinical significance of this variant is uncertain due to the absence of conclusive functional and genetic evidence.

Labcorp Genetics (formerly Invitae), Labcorp
Classification: Uncertain significance for Hereditary breast ovarian cancer syndrome. Last evaluated: 2024-11-15. Review status: criteria provided, single submitter. Criteria: Invitae Variant Classification Sherloc (09022015). Collection method: clinical testing. Allele origin: germline.
Comment: This sequence change replaces methionine, which is neutral and non-polar, with lysine, which is basic and polar, at codon 1475 of the BRCA2 protein (p.Met1475Lys). This variant is not present in population databases (gnomAD no frequency). This variant has not been reported in the literature in individuals affected with BRCA2-related conditions. ClinVar contains an entry for this variant (Variation ID: 1740503). Invitae Evidence Modeling of protein sequence and biophysical properties (such as structural, functional, and spatial information, amino acid conservation, physicochemical variation, residue mobility, and thermodynamic stability) indicates that this missense variant is not expected to disrupt BRCA2 protein function with a negative predictive value of 95%. In summary, the available evidence is currently insufficient to determine the role of this variant in disease. Therefore, it has been classified as a Variant of Uncertain Significance.

University of Washington Department of Laboratory Medicine, University of Washington
Classification: Likely benign for Hereditary cancer-predisposing syndrome. Last evaluated: 2023-03-23. Review status: criteria provided, single submitter. Criteria: Dines et al. (Genet Med. 2020). Collection method: curation. Allele origin: germline.
Comment: Missense variant in a coldspot region where missense variants are very unlikely to be pathogenic (PMID:31911673).

BRCA2 exon 11 coldspot. Reclassification based on statistical prior probability.

Ambry Genetics
Classification: Uncertain significance for Hereditary cancer-predisposing syndrome. Last evaluated: 2020-12-09. Review status: criteria provided, single submitter. Criteria: Ambry Variant Classification Scheme 2023. Collection method: clinical testing. Allele origin: germline.
Comment: The p.M1475K variant (also known as c.4424T>A), located in coding exon 10 of the BRCA2 gene, results from a T to A substitution at nucleotide position 4424. The methionine at codon 1475 is replaced by lysine, an amino acid with similar properties. This amino acid position is not well conserved in available vertebrate species. In addition, this alteration is predicted to be tolerated by in silico analysis. Since supporting evidence is limited at this time, the clinical significance of this alteration remains unclear.

NM_000059.4(BRCA2):c.4424T>A (p.Met1475Lys)

Gene: BRCA2 (BRCA2 DNA repair associated; plus strand). Cytogenetic location: 13q13.1.
Variant type: single nucleotide variant.
Coding change: c.4424T>A on transcript NM_000059.4 (MANE Select); coding-DNA position 4424, T replaced by A.
Protein change: p.Met1475Lys; replaces methionine 1475 with lysine.
Molecular consequence: missense variant.
Genome position (GRCh38, 1-based): chr13:32,338,779, T>A. VCF-style: chr13-32338779-T-A. GRCh37 (hg19) VCF-style: chr13-32912916-T-A.
Other names: c.4424T>A, p.Met1475Lys (NM_001406719.1, NM_001406720.1); short protein forms M1475K.
Identifiers: ClinVar variation 1740503 (VCV001740503.8), dbSNP rs2072503948, ClinGen allele CA387781257.